The following is an entry in ClinVar:

NM_000037.4(ANK1):c.2122G>C (p.Ala708Pro)

Gene: ANK1 (ankyrin 1; minus strand). Cytogenetic location: 8p11.21.
Variant type: single nucleotide variant.
Coding change: c.2122G>C on transcript NM_000037.4 (MANE Select); coding-DNA position 2122, G replaced by C.
Protein change: p.Ala708Pro; replaces alanine 708 with proline.
Molecular consequence: missense variant.
Genome position (GRCh38, 1-based): chr8:41,704,448, C>G on the plus strand (G>C on the coding strand, the complement: ANK1 is on the minus strand). VCF-style: chr8-41704448-C-G. GRCh37 (hg19) VCF-style: chr8-41561966-C-G.
Other names: p.Ala708Pro; c.2221G>C, p.Ala741Pro (NM_001142446.2); c.2122G>C, p.Ala708Pro (NM_020475.3, NM_020476.3, NM_020477.3); short protein forms A708P, A741P.
Identifiers: ClinVar variation 4541366 (VCV004541366.1).

ClinVar aggregate classification (germline): Uncertain significance (1 of 4 stars; one submission).

Submission:

Mayo Clinic Laboratories, Mayo Clinic
Classification: Uncertain significance. Last evaluated: 2025-05-07. Review status: criteria provided, single submitter. Criteria: ACMG Guidelines, 2015. Collection method: clinical testing. Allele origin: germline. Observed: 1 variant allele.
Comment: PP3_moderate, PM1, PM2_supporting